The following is an entry in ClinVar:

NM_000558.5(HBA1):c.337_351dup (p.His113_Glu117dup)

Genes: HBA1 (hemoglobin subunit alpha 1; plus strand), LOC106804613 (hemoglobin subunit alpha 1 recombination region; plus strand). Cytogenetic location: 16p13.3.
Variant type: Duplication.
Coding change: c.337_351dup on transcript NM_000558.5 (MANE Select); coding-DNA positions 337 to 351, 15 bases duplicated (CACCTCCCCGCCGAG).
Protein change: p.His113_Glu117dup.
Molecular consequence: inframe insertion.
Genome position (GRCh38, 1-based): chr16:177,319-177,333, CACCTCCCCGCCGAG duplicated. VCF-style (leftmost placement, unchanged base first): chr16-177318-C-CCACCTCCCCGCCGAG. GRCh37 (hg19) VCF-style: chr16-227317-C-CCACCTCCCCGCCGAG.
Identifiers: ClinVar variation 993068 (VCV000993068.3), dbSNP rs1902168590, ClinGen allele CA1139664216.

ClinVar aggregate classification (germline): Uncertain significance (1 of 4 stars; one submission).

Submission:

Quest Diagnostics Nichols Institute San Juan Capistrano
Classification: Uncertain significance. Last evaluated: 2025-05-11. Review status: criteria provided, single submitter. Criteria: Quest Diagnostics criteria. Collection method: clinical testing. Allele origin: unknown.
Comment: The HBA1 c.337_351dup (p.His113_Glu117dup) variant (also known as Hb Zaire) has been reported to have normal stability and oxygen binding properties (PMID: 1511986 (1992); HbVar). However, an individual who is heterozygous for this variant presented with mild microcytosis and hypochromia (PMID: 1511986 (1992)). This variant has not been reported in large, multi-ethnic general populations (Genome Aggregation Database). Based on the available information, we are unable to determine the clinical significance of this variant.

Literature cited by the submitters: PubMed 1511986.